The following is an entry in ClinVar:

NM_006035.4(CDC42BPB):c.3361G>A (p.Val1121Ile)

Gene: CDC42BPB (CDC42 binding protein kinase beta; minus strand). Cytogenetic location: 14q32.32.
Variant type: single nucleotide variant.
Coding change: c.3361G>A on transcript NM_006035.4 (MANE Select); coding-DNA position 3361, G replaced by A.
Protein change: p.Val1121Ile; replaces valine 1121 with isoleucine.
Molecular consequence: missense variant.
Genome position (GRCh38, 1-based): chr14:102,949,853, C>T on the plus strand (G>A on the coding strand, the complement: CDC42BPB is on the minus strand). VCF-style: chr14-102949853-C-T. GRCh37 (hg19) VCF-style: chr14-103416190-C-T.
Other names: c.3283G>A, p.Val1095Ile (NM_001411054.1); short protein forms V1095I, V1121I.
Identifiers: ClinVar variation 5020145 (VCV005020145.1).

ClinVar aggregate classification (germline): Uncertain significance (1 of 4 stars; one submission).

gnomAD v4.1: 24 of 1,613,534 alleles (0.0015%); highest among the groups gnomAD compares: Middle Eastern, 0.016%; no homozygotes.

Submission:

Dasa
Classification: Uncertain significance. Last evaluated: 2026-08-12. Review status: criteria provided, single submitter. Criteria: DASA Assertion Criteria. Collection method: clinical testing. Allele origin: germline.
Comment: NM_006035.4(CDC42BPB):c.3361G>A (p.Val1121Ile) is a missense variant that results in the substitution of valine with isoleucine. The affected residue or protein region has prior evidence supporting clinical relevance. This variant is rare in population databases. The currently available literature and clinical evidence are not sufficient to establish a definitive association between this variant and the reported condition. Therefore, this variant is classified as a variant of uncertain significance.